The following is an entry in ClinVar:

ClinVar aggregate classification (germline): Pathogenic (1 of 4 stars; one submission).

Conditions:
Primary ciliary dyskinesia 28. Also called: CILIARY DYSKINESIA, PRIMARY, 28, WITH OR WITHOUT SITUS INVERSUS. Identifiers: Orphanet 244, MedGen C3809706, MONDO:0014216, OMIM 615505.

Submission:

Labcorp Genetics (formerly Invitae), Labcorp
Classification: Pathogenic for Primary ciliary dyskinesia 28. Last evaluated: 2023-08-04. Review status: criteria provided, single submitter. Criteria: Invitae Variant Classification Sherloc (09022015). Collection method: clinical testing. Allele origin: germline.
Comment: For these reasons, this variant has been classified as Pathogenic. Algorithms developed to predict the effect of sequence changes on RNA splicing suggest that this variant may disrupt the consensus splice site. Disruption of this splice site has been observed in individual(s) with clinical features of primary ciliary dyskinesia (Invitae). In at least one individual the data is consistent with being in trans (on the opposite chromosome) from a pathogenic variant. This variant is not present in population databases (gnomAD no frequency). This sequence change affects a donor splice site in intron 6 of the SPAG1 gene. It is expected to disrupt RNA splicing. Variants that disrupt the donor or acceptor splice site typically lead to a loss of protein function (PMID: 16199547), and loss-of-function variants in SPAG1 are known to be pathogenic (PMID: 24055112).

Literature cited by the submitters: PubMed 16199547; PubMed 24055112.

NM_003114.5(SPAG1):c.595+1G>A

Gene: SPAG1 (sperm associated antigen 1; plus strand). Cytogenetic location: 8q22.2.
Variant type: single nucleotide variant.
Coding change: c.595+1G>A on transcript NM_003114.5 (MANE Select); the canonical splice donor site of the intron after coding-DNA position 595, G replaced by A.
Molecular consequence: splice donor variant.
Genome position (GRCh38, 1-based): chr8:100,184,063, G>A. VCF-style: chr8-100184063-G-A. GRCh37 (hg19) VCF-style: chr8-101196291-G-A.
Other names: c.595+1G>A (NM_001374321.1, NM_172218.3).
Identifiers: ClinVar variation 2791927 (VCV002791927.3), dbSNP rs2489323420, ClinGen allele CA371802177.